The following is an entry in ClinVar:

NM_032888.4(COL27A1):c.3178G>C (p.Gly1060Arg)

Gene: COL27A1 (collagen type XXVII alpha 1 chain; plus strand). Cytogenetic location: 9q32.
Variant type: single nucleotide variant.
Coding change: c.3178G>C on transcript NM_032888.4 (MANE Select); coding-DNA position 3178, G replaced by C.
Protein change: p.Gly1060Arg; replaces glycine 1060 with arginine.
Molecular consequence: missense variant.
Genome position (GRCh38, 1-based): chr9:114,258,577, G>C. VCF-style: chr9-114258577-G-C. GRCh37 (hg19) VCF-style: chr9-117020857-G-C.
Other names: short protein forms G1060R.
Identifiers: ClinVar variation 2581419 (VCV002581419.1), dbSNP rs2491340693, ClinGen allele CA374595079.

ClinVar aggregate classification (germline): Uncertain significance (1 of 4 stars; one submission).

gnomAD v4.1: 3 of 1,614,104 alleles (0.00019%); highest among the groups gnomAD compares: African/African-American, 0.0013%; no homozygotes.

Submission:

Women's Health and Genetics/Laboratory Corporation of America, LabCorp
Classification: Uncertain significance. Last evaluated: 2023-08-03. Review status: criteria provided, single submitter. Criteria: LabCorp Variant Classification Summary - May 2015. Collection method: clinical testing. Allele origin: germline.
Comment: Variant summary: COL27A1 c.3178G>C (p.Gly1060Arg) results in a non-conservative amino acid change in the encoded protein sequence. Five of five in-silico tools predict a damaging effect of the variant on protein function. The variant was absent in 249782 control chromosomes. The available data on variant occurrences in the general population are insufficient to allow any conclusion about variant significance. To our knowledge, no occurrence of c.3178G>C in individuals affected with Steel syndrome and no experimental evidence demonstrating its impact on protein function have been reported. No submitters have cited clinical-significance assessments for this variant to ClinVar after 2014. Based on the evidence outlined above, the variant was classified as uncertain significance.